The following is an entry in ClinVar:

ClinVar aggregate classification (germline): Uncertain significance (1 of 4 stars; one submission).

Submission:

Labcorp Genetics (formerly Invitae), Labcorp
Classification: Uncertain significance. Last evaluated: 2022-08-12. Review status: criteria provided, single submitter. Criteria: Invitae Variant Classification Sherloc (09022015). Collection method: clinical testing. Allele origin: germline.
Comment: This sequence change replaces glycine, which is neutral and non-polar, with arginine, which is basic and polar, at codon 815 of the UNC80 protein (p.Gly815Arg). This variant is not present in population databases (gnomAD no frequency). This variant has not been reported in the literature in individuals affected with UNC80-related conditions. Algorithms developed to predict the effect of missense changes on protein structure and function are either unavailable or do not agree on the potential impact of this missense change (SIFT: "Not Available"; PolyPhen-2: "Probably Damaging"; Align-GVGD: "Not Available"). Algorithms developed to predict the effect of sequence changes on RNA splicing suggest that this variant may disrupt the consensus splice site. In summary, the available evidence is currently insufficient to determine the role of this variant in disease. Therefore, it has been classified as a Variant of Uncertain Significance.

NM_001371986.1(UNC80):c.2443G>A (p.Gly815Arg)

Gene: UNC80 (unc-80 subunit of NALCN channel complex; plus strand). Cytogenetic location: 2q34.
Variant type: single nucleotide variant.
Coding change: c.2443G>A on transcript NM_001371986.1 (MANE Select); coding-DNA position 2443, G replaced by A.
Protein change: p.Gly815Arg; replaces glycine 815 with arginine.
Molecular consequence: missense variant.
Genome position (GRCh38, 1-based): chr2:209,826,018, G>A. VCF-style: chr2-209826018-G-A. GRCh37 (hg19) VCF-style: chr2-210690742-G-A.
Other names: c.2443G>A, p.Gly815Arg (NM_032504.2, NM_182587.4); short protein forms G815R.
Identifiers: ClinVar variation 2059004 (VCV002059004.4), dbSNP rs2470978520, ClinGen allele CA350137409.
Genomic context (GRCh38, chr2:209,826,018, plus strand): 5'-AAAATAGTGAAGTCTTTGGGATGTGCCTATGGTTGTGGTGAAGGACACCGAGGGCTCTCT[G>A]GAGATCGTCTGAGACACCAGGTATTCCGAGAGAATGTAAGAGAATTAAAGTAGATTCCAT-3'
Protein context (NP_001358915.1, residues 805-825): GCGEGHRGLS[Gly815Arg]DRLRHQVFRE